The following is an entry in ClinVar:

NM_005733.3(KIF20A):c.1931G>A (p.Arg644Gln)

Gene: KIF20A (kinesin family member 20A; plus strand). Cytogenetic location: 5q31.2.
Variant type: single nucleotide variant.
Coding change: c.1931G>A on transcript NM_005733.3 (MANE Select); coding-DNA position 1931, G replaced by A.
Protein change: p.Arg644Gln; replaces arginine 644 with glutamine.
Molecular consequence: missense variant.
Genome position (GRCh38, 1-based): chr5:138,185,516, G>A. VCF-style: chr5-138185516-G-A. GRCh37 (hg19) VCF-style: chr5-137521205-G-A.
Other names: short protein forms R644Q.
Identifiers: ClinVar variation 1379990 (VCV001379990.6), dbSNP rs755581965, ClinGen allele CA3426769.

ClinVar aggregate classification (germline): Uncertain significance (1 of 4 stars; one submission).

Allele frequency attached by ClinVar (database versions not stated): gnomAD 0.00001; gnomAD exomes 0.00001; TOPMed 0.00001; ExAC 0.00002.
gnomAD v4.1: 21 of 1,612,990 alleles (0.0013%); highest among the groups gnomAD compares: Middle Eastern, 0.019%; no homozygotes.

Submission:

Labcorp Genetics (formerly Invitae), Labcorp
Classification: Uncertain significance. Last evaluated: 2022-02-05. Review status: criteria provided, single submitter. Criteria: Invitae Variant Classification Sherloc (09022015). Collection method: clinical testing. Allele origin: germline.
Comment: This variant has not been reported in the literature in individuals affected with KIF20A-related conditions. In summary, the available evidence is currently insufficient to determine the role of this variant in disease. Therefore, it has been classified as a Variant of Uncertain Significance. Algorithms developed to predict the effect of missense changes on protein structure and function are either unavailable or do not agree on the potential impact of this missense change (SIFT: "Deleterious"; PolyPhen-2: "Benign"; Align-GVGD: "Class C35"). This variant is present in population databases (rs755581965, gnomAD 0.003%). This sequence change replaces arginine, which is basic and polar, with glutamine, which is neutral and polar, at codon 644 of the KIF20A protein (p.Arg644Gln).